The following is an entry in ClinVar:

ClinVar aggregate classification (germline): Pathogenic (1 of 4 stars; one submission).

Conditions:
Intellectual developmental disorder, X-linked 1. Also called: Atkin Flaitz Patil Smith syndrome; Intellectual disability, X-linked 1; MENTAL RETARDATION, X-LINKED 18; MENTAL RETARDATION, X-LINKED 78. Identifiers: Orphanet 777, MedGen C2931498, MONDO:0010656, OMIM 309530.

Submission:

Labcorp Genetics (formerly Invitae), Labcorp
Classification: Pathogenic for Intellectual developmental disorder, X-linked 1. Last evaluated: 2023-02-04. Review status: criteria provided, single submitter. Criteria: Invitae Variant Classification Sherloc (09022015). Collection method: clinical testing. Allele origin: germline.
Comment: For these reasons, this variant has been classified as Pathogenic. This variant has not been reported in the literature in individuals affected with IQSEC2-related conditions. This variant is not present in population databases (gnomAD no frequency). This sequence change creates a premature translational stop signal (p.Glu723*) in the IQSEC2 gene. It is expected to result in an absent or disrupted protein product. Loss-of-function variants in IQSEC2 are known to be pathogenic (PMID: 21686261, 26793055, 27665735).

Literature cited by the submitters: PubMed 21686261; PubMed 26793055; PubMed 27665735.

NM_001111125.3(IQSEC2):c.2167G>T (p.Glu723Ter)

Gene: IQSEC2 (IQ motif and Sec7 domain ArfGEF 2; minus strand). Cytogenetic location: Xp11.22.
Variant type: single nucleotide variant.
Coding change: c.2167G>T on transcript NM_001111125.3 (MANE Select); coding-DNA position 2167, G replaced by T.
Protein change: p.Glu723Ter; replaces glutamic acid 723 with a stop codon.
Molecular consequence: nonsense.
Genome position (GRCh38, 1-based): chrX:53,250,409, C>A on the plus strand (G>T on the coding strand, the complement: IQSEC2 is on the minus strand). VCF-style: chrX-53250409-C-A. GRCh37 (hg19) VCF-style: chrX-53279591-C-A.
Other names: c.2167G>T, p.Glu723Ter (NM_001410736.1); c.1552G>T, p.Glu518Ter (NM_015075.2); short protein forms E723*, E518*.
Identifiers: ClinVar variation 2834652 (VCV002834652.3), dbSNP rs2519798302, ClinGen allele CA413160393.